The following is an entry in ClinVar:

ClinVar aggregate classification (germline): Uncertain significance. Review status: criteria provided, multiple submitters, no conflicts (2 of 4 stars). 2 submissions from 2 submitters: Uncertain significance (2). Last evaluated 2023-06-12.

Conditions:
Developmental and epileptic encephalopathy, 53. Also called: Epileptic encephalopathy, early infantile, 53. Identifiers: MedGen C4479313, MONDO:0033362, OMIM 617389.
Early-onset Parkinson disease 20. Also called: PARKINSON DISEASE 20, AUTOSOMAL RECESSIVE EARLY-ONSET. Identifiers: Orphanet 391411, MedGen C3809824, MONDO:0014233, OMIM 615530.
Inborn genetic diseases. Identifiers: MedGen C0950123, MeSH D030342.

Allele frequency attached by ClinVar (database versions not stated): gnomAD 0.00001; gnomAD exomes 0.00001 and 0.00005; TOPMed 0.00003; ExAC 0.00005.
gnomAD v4.1: 9 of 1,614,008 alleles (0.00056%); highest among the groups gnomAD compares: East Asian, 0.02%; no homozygotes.

Submissions (2):

Ambry Genetics
Classification: Uncertain significance for Inborn genetic diseases. Last evaluated: 2023-06-12. Review status: criteria provided, single submitter. Criteria: Ambry Variant Classification Scheme 2023. Collection method: clinical testing. Allele origin: germline.

Labcorp Genetics (formerly Invitae), Labcorp
Classification: Uncertain significance for Developmental and epileptic encephalopathy, 53; Early-onset Parkinson disease 20. Last evaluated: 2021-08-27. Review status: criteria provided, single submitter. Criteria: Invitae Variant Classification Sherloc (09022015). Collection method: clinical testing. Allele origin: germline.
Comment: This sequence change replaces proline with threonine at codon 1432 of the SYNJ1 protein (p.Pro1432Thr). The proline residue is weakly conserved and there is a small physicochemical difference between proline and threonine. This variant is present in population databases (rs769312346, ExAC 0.07%). This variant has not been reported in the literature in individuals affected with SYNJ1-related conditions. Algorithms developed to predict the effect of missense changes on protein structure and function (SIFT, PolyPhen-2, Align-GVGD) all suggest that this variant is likely to be tolerated. In summary, the available evidence is currently insufficient to determine the role of this variant in disease. Therefore, it has been classified as a Variant of Uncertain Significance.

NM_203446.3(SYNJ1):c.*265C>A

Gene: SYNJ1 (synaptojanin 1; minus strand). Cytogenetic location: 21q22.11.
Variant type: single nucleotide variant.
Coding change: c.*265C>A on transcript NM_203446.3 (MANE Select); 265 bases downstream of the stop codon, C replaced by A.
Molecular consequence: 3 prime UTR variant. On other transcripts: missense variant (2).
Genome position (GRCh38, 1-based): chr21:32,631,540, G>T on the plus strand (C>A on the coding strand, the complement: SYNJ1 is on the minus strand). VCF-style: chr21-32631540-G-T. GRCh37 (hg19) VCF-style: chr21-34003850-G-T.
Other names: c.*265C>A (NM_001160302.2); c.4036C>A, p.Pro1346Thr (NM_001160306.2); c.4294C>A, p.Pro1432Thr (NM_003895.4); short protein forms P1346T, P1432T.
Identifiers: ClinVar variation 1044768 (VCV001044768.10), dbSNP rs769312346, ClinGen allele CA10003142.